The following is an entry in ClinVar:

NM_001081.4(CUBN):c.3646C>G (p.Pro1216Ala)

Gene: CUBN (cubilin; minus strand). Cytogenetic location: 10p13.
Variant type: single nucleotide variant.
Coding change: c.3646C>G on transcript NM_001081.4 (MANE Select); coding-DNA position 3646, C replaced by G.
Protein change: p.Pro1216Ala; replaces proline 1216 with alanine.
Molecular consequence: missense variant.
Genome position (GRCh38, 1-based): chr10:17,045,033, G>C on the plus strand (C>G on the coding strand, the complement: CUBN is on the minus strand). VCF-style: chr10-17045033-G-C. GRCh37 (hg19) VCF-style: chr10-17087032-G-C.
Other names: short protein forms P1216A.
Identifiers: ClinVar variation 648851 (VCV000648851.11), dbSNP rs145881708, ClinGen allele CA5424614.

ClinVar aggregate classification (germline): Conflicting classifications of pathogenicity. Review status: criteria provided, conflicting classifications (1 of 4 stars). 4 submissions from 4 submitters: Uncertain significance (3); Likely benign (1). Last evaluated 2024-10-19.

Conditions:
Inborn genetic diseases. Identifiers: MedGen C0950123, MeSH D030342.
Imerslund-Grasbeck syndrome. Also called: Megaloblastic anemia due to inborn errors of metabolism; ENTEROCYTE COBALAMIN MALABSORPTION; ENTEROCYTE INTRINSIC FACTOR RECEPTOR, DEFECT OF; Imerslund-Gräsbeck syndrome; PERNICIOUS ANEMIA, JUVENILE, DUE TO SELECTIVE INTESTINAL MALABSORPTION OF VITAMIN B12, WITH PROTEINURIA. Identifiers: Orphanet 35858, MedGen C4551825, MONDO:0009853.
Imerslund-Grasbeck syndrome type 1 (IGS1). Also called: Megaloblastic anemia 1, Finnish type; MEGALOBLASTIC ANEMIA, 1; Imerslund-Gräsbeck syndrome 1. Identifiers: MedGen C4016819, MONDO:0100156, OMIM 261100.
Proteinuria, chronic benign. Identifiers: MedGen C5394384, MONDO:0030042, OMIM 618884.

Allele frequency attached by ClinVar (database versions not stated): ESP Exome Variant Server 0.00015; 1000 Genomes Project 30x 0.00016; 1000 Genomes Project 0.00020; gnomAD 0.00027; TOPMed 0.00029.
gnomAD v4.1: 549 of 1,614,082 alleles (0.034%); highest among the groups gnomAD compares: Admixed American, 0.047%; 1 homozygote.

Submissions (4):

Ambry Genetics
Classification: Uncertain significance for Inborn genetic diseases. Last evaluated: 2024-10-19. Review status: criteria provided, single submitter. Criteria: Ambry Variant Classification Scheme 2023. Collection method: clinical testing. Allele origin: germline.

Fulgent Genetics
Classification: Likely benign for Imerslund-Grasbeck syndrome type 1; Proteinuria, chronic benign. Last evaluated: 2024-03-13. Review status: criteria provided, single submitter. Criteria: ACMG Guidelines, 2015. Collection method: clinical testing. Allele origin: germline.

Labcorp Genetics (formerly Invitae), Labcorp
Classification: Uncertain significance for Imerslund-Grasbeck syndrome. Last evaluated: 2023-02-28. Review status: criteria provided, single submitter. Criteria: Invitae Variant Classification Sherloc (09022015). Collection method: clinical testing. Allele origin: germline.
Comment: This variant has not been reported in the literature in individuals affected with CUBN-related conditions. In summary, the available evidence is currently insufficient to determine the role of this variant in disease. Therefore, it has been classified as a Variant of Uncertain Significance. Advanced modeling of protein sequence and biophysical properties (such as structural, functional, and spatial information, amino acid conservation, physicochemical variation, residue mobility, and thermodynamic stability) performed at Invitae indicates that this missense variant is not expected to disrupt CUBN protein function. ClinVar contains an entry for this variant (Variation ID: 648851). This variant is present in population databases (rs145881708, gnomAD 0.03%). This sequence change replaces proline, which is neutral and non-polar, with alanine, which is neutral and non-polar, at codon 1216 of the CUBN protein (p.Pro1216Ala).

GeneDx
Classification: Uncertain significance. Last evaluated: 2019-12-31. Review status: criteria provided, single submitter. Criteria: GeneDx Variant Classification Process June 2021. Collection method: clinical testing. Allele origin: germline. Affected: yes.
Comment: In silico analysis, which includes protein predictors and evolutionary conservation, supports that this variant does not alter protein structure/function; Has not been previously published as pathogenic or benign to our knowledge